The following is an entry in ClinVar:

ClinVar aggregate classification (germline): Likely pathogenic (1 of 4 stars; one submission).

Conditions:
Familial hypobetalipoproteinemia 1. Also called: APOB-Related Familial Hypobetalipoproteinemia; Hypobetalipoproteinemia, normotriglyceridemic; Acanthocytosis with hypobetalipoproteinemia. Identifiers: MedGen C4551990, MONDO:0014252, OMIM 615558.
Hypercholesterolemia, autosomal dominant, type B (FHCL2). Also called: Familial Hypercholesterolemia Type B; APOLIPOPROTEIN B-100, FAMILIAL DEFECTIVE; APOLIPOPROTEIN B-100, FAMILIAL LIGAND-DEFECTIVE; HYPERCHOLESTEROLEMIA, FAMILIAL, DUE TO LIGAND-DEFECTIVE APOLIPOPROTEIN B; APOB-Related Familial Hypercholesterolemia, Autosomal Dominant; Familial hypercholesterolemia 2. Identifiers: MedGen C1704417, MONDO:0007751, OMIM 144010.

Submission:

Labcorp Genetics (formerly Invitae), Labcorp
Classification: Likely pathogenic for Familial hypobetalipoproteinemia 1; Hypercholesterolemia, autosomal dominant, type B. Last evaluated: 2021-10-01. Review status: criteria provided, single submitter. Criteria: Invitae Variant Classification Sherloc (09022015). Collection method: clinical testing. Allele origin: germline.
Comment: This variant is not present in population databases (ExAC no frequency). In summary, the currently available evidence indicates that the variant is pathogenic, but additional data are needed to prove that conclusively. Therefore, this variant has been classified as Likely Pathogenic. Algorithms developed to predict the effect of sequence changes on RNA splicing suggest that this variant may disrupt the consensus splice site. This variant has not been reported in the literature in individuals affected with APOB-related conditions. This sequence change affects a donor splice site in intron 6 of the APOB gene. It is expected to disrupt RNA splicing. Variants that disrupt the donor or acceptor splice site typically lead to a loss of protein function (PMID: 16199547), and loss-of-function variants in APOB are known to be pathogenic (PMID: 20032471).

Literature cited by the submitters: PubMed 16199547; PubMed 20032471.

NM_000384.3(APOB):c.693+2T>A

Gene: APOB (apolipoprotein B; minus strand). Cytogenetic location: 2p24.1.
Variant type: single nucleotide variant.
Coding change: c.693+2T>A on transcript NM_000384.3 (MANE Select); the canonical splice donor site of the intron after coding-DNA position 693, T replaced by A.
Molecular consequence: splice donor variant.
Genome position (GRCh38, 1-based): chr2:21,037,098, A>T on the plus strand (T>A on the coding strand, the complement: APOB is on the minus strand). VCF-style: chr2-21037098-A-T. GRCh37 (hg19) VCF-style: chr2-21259970-A-T.
Identifiers: ClinVar variation 1515327 (VCV001515327.6), dbSNP rs2103383976, ClinGen allele CA345961417.